The following is an entry in ClinVar:

ClinVar aggregate classification (germline): Uncertain significance. Review status: criteria provided, multiple submitters, no conflicts (2 of 4 stars). 2 submissions from 2 submitters: Uncertain significance (2). Last evaluated 2025-05-09.

Conditions:
Inborn genetic diseases. Identifiers: MedGen C0950123, MeSH D030342.
Acute myeloid leukemia (AML). Also called: Acute myeloid leukemia, adult; AML adult; Acute non-lymphocytic leukemia; Acute granulocytic leukemia; Leukemia, acute myelogenous, somatic; Leukemia, acute myeloid, somatic. Identifiers: Orphanet 519, MedGen C0023467, MeSH D015470, MONDO:0018874, OMIM 601626, HP:0004808. Disease mechanism: Constitutively activated FLT3.

gnomAD v4.1: 19 of 1,347,764 alleles (0.0014%); highest among the groups gnomAD compares: South Asian, 0.006%; no homozygotes.

Submissions (2):

Labcorp Genetics (formerly Invitae), Labcorp
Classification: Uncertain significance for Acute myeloid leukemia. Last evaluated: 2025-05-09. Review status: criteria provided, single submitter. Criteria: Invitae Variant Classification Sherloc (09022015). Collection method: clinical testing. Allele origin: germline.
Comment: This sequence change replaces proline, which is neutral and non-polar, with serine, which is neutral and polar, at codon 23 of the CEBPA protein (p.Pro23Ser). This variant is not present in population databases (gnomAD no frequency). This variant has not been reported in the literature in individuals affected with CEBPA-related conditions. ClinVar contains an entry for this variant (Variation ID: 998733). An algorithm developed to predict the effect of missense changes on protein structure and function (PolyPhen-2) suggests that this variant is likely to be tolerated. In summary, the available evidence is currently insufficient to determine the role of this variant in disease. Therefore, it has been classified as a Variant of Uncertain Significance.

Ambry Genetics
Classification: Uncertain significance for Inborn genetic diseases. Last evaluated: 2025-03-07. Review status: criteria provided, single submitter. Criteria: Ambry Variant Classification Scheme 2023. Collection method: clinical testing. Allele origin: germline.
Comment: The p.P23S variant (also known as c.67C>T), located in coding exon 1 of the CEBPA gene, results from a C to T substitution at nucleotide position 67. The proline at codon 23 is replaced by serine, an amino acid with similar properties. This amino acid position is conserved. In addition, this alteration is predicted to be tolerated by in silico analysis. Based on the available evidence, the clinical significance of this variant remains unclear.

NM_004364.5(CEBPA):c.67C>T (p.Pro23Ser)

Gene: CEBPA (CCAAT enhancer binding protein alpha; minus strand). Cytogenetic location: 19q13.11.
Variant type: single nucleotide variant.
Coding change: c.67C>T on transcript NM_004364.5 (MANE Select); coding-DNA position 67, C replaced by T.
Protein change: p.Pro23Ser; replaces proline 23 with serine.
Molecular consequence: missense variant. On other transcripts: 5 prime UTR variant (1).
Genome position (GRCh38, 1-based): chr19:33,302,348, G>A on the plus strand (C>T on the coding strand, the complement: CEBPA is on the minus strand). VCF-style: chr19-33302348-G-A. GRCh37 (hg19) VCF-style: chr19-33793254-G-A.
Other names: c.-291C>T (NM_001285829.2); c.172C>T, p.Pro58Ser (NM_001287424.2); c.25C>T, p.Pro9Ser (NM_001287435.2); c.67C>T (NM_004364.3); short protein forms P23S, P58S, P9S.
Identifiers: ClinVar variation 998733 (VCV000998733.10), dbSNP rs1478319097, ClinGen allele CA405275746.
Genomic context (GRCh38, chr19:33,302,348, plus strand): 5'-GAGGCTGCGCGGGGCCCGCGCCCCGGGGAAAGCCGAAGGCGGCGCTGCTGGGCGCGTGCG[G>A]GGGGCTCTGCAGGTGGCTGCTCATCGGGGGCCGCGGCTCCGCCTCGTAGAAGTCGGCCGA-3'
Protein context (NP_004355.2, residues 13-33): PPMSSHLQSP[Pro23Ser]HAPSSAAFGF